The following is an entry in ClinVar:

ClinVar aggregate classification (germline): Uncertain significance (1 of 4 stars; one submission).

Conditions:
Deficiency of isobutyryl-CoA dehydrogenase. Also called: ACAD8 DEFICIENCY; IBD DEFICIENCY; ACYL-CoA DEHYDROGENASE FAMILY, MEMBER 8, DEFICIENCY OF. Identifiers: Orphanet 79159, MedGen C1969809, MONDO:0012648, OMIM 611283.

Allele frequency attached by ClinVar (database versions not stated): ExAC 0.00001; gnomAD 0.00001; gnomAD exomes 0.00001; TOPMed 0.00001.
gnomAD v4.1: 6 of 1,614,100 alleles (0.00037%); highest among the groups gnomAD compares: Admixed American, 0.01%; no homozygotes.

Submission:

Labcorp Genetics (formerly Invitae), Labcorp
Classification: Uncertain significance for Deficiency of isobutyryl-CoA dehydrogenase. Last evaluated: 2023-10-13. Review status: criteria provided, single submitter. Criteria: Invitae Variant Classification Sherloc (09022015). Collection method: clinical testing. Allele origin: germline.
Comment: This sequence change replaces leucine, which is neutral and non-polar, with arginine, which is basic and polar, at codon 103 of the ACAD8 protein (p.Leu103Arg). This variant is present in population databases (rs763906092, gnomAD 0.009%). This missense change has been observed in individual(s) with clinical features of IBDH deficiency (Invitae). In at least one individual the data is consistent with being in trans (on the opposite chromosome) from a pathogenic variant. ClinVar contains an entry for this variant (Variation ID: 662793). Advanced modeling of protein sequence and biophysical properties (such as structural, functional, and spatial information, amino acid conservation, physicochemical variation, residue mobility, and thermodynamic stability) has been performed at Invitae for this missense variant, however the output from this modeling did not meet the statistical confidence thresholds required to predict the impact of this variant on ACAD8 protein function. In summary, the available evidence is currently insufficient to determine the role of this variant in disease. Therefore, it has been classified as a Variant of Uncertain Significance.

NM_014384.3(ACAD8):c.308T>G (p.Leu103Arg)

Gene: ACAD8 (acyl-CoA dehydrogenase family member 8; plus strand). Cytogenetic location: 11q25.
Variant type: single nucleotide variant.
Coding change: c.308T>G on transcript NM_014384.3 (MANE Select); coding-DNA position 308, T replaced by G.
Protein change: p.Leu103Arg; replaces leucine 103 with arginine.
Molecular consequence: missense variant.
Genome position (GRCh38, 1-based): chr11:134,257,185, T>G. VCF-style: chr11-134257185-T-G. GRCh37 (hg19) VCF-style: chr11-134127079-T-G.
Other names: short protein forms L103R.
Identifiers: ClinVar variation 662793 (VCV000662793.10), dbSNP rs763906092, ClinGen allele CA6372903.